The following is an entry in ClinVar:

NM_006231.4(POLE):c.5859G>C (p.Glu1953Asp)

Gene: POLE (DNA polymerase epsilon, catalytic subunit; minus strand). Cytogenetic location: 12q24.33.
Variant type: single nucleotide variant.
Coding change: c.5859G>C on transcript NM_006231.4 (MANE Select); coding-DNA position 5859, G replaced by C.
Protein change: p.Glu1953Asp; replaces glutamic acid 1953 with aspartic acid.
Molecular consequence: missense variant.
Genome position (GRCh38, 1-based): chr12:132,634,331, C>G on the plus strand (G>C on the coding strand, the complement: POLE is on the minus strand). VCF-style: chr12-132634331-C-G. GRCh37 (hg19) VCF-style: chr12-133210917-C-G.
Other names: short protein forms E1953D.
Identifiers: ClinVar variation 946711 (VCV000946711.9), dbSNP rs1489845262, ClinGen allele CA387371754.

ClinVar aggregate classification (germline): Uncertain significance (1 of 4 stars; one submission).

Submission:

Labcorp Genetics (formerly Invitae), Labcorp
Classification: Uncertain significance. Last evaluated: 2019-07-06. Review status: criteria provided, single submitter. Criteria: Invitae Variant Classification Sherloc (09022015). Collection method: clinical testing. Allele origin: germline.
Comment: In summary, the available evidence is currently insufficient to determine the role of this variant in disease. Therefore, it has been classified as a Variant of Uncertain Significance. Algorithms developed to predict the effect of missense changes on protein structure and function output the following: SIFT: "Tolerated"; PolyPhen-2: "Benign"; Align-GVGD: "Class C0". The aspartic acid amino acid residue is found in multiple mammalian species, suggesting that this missense change does not adversely affect protein function. These predictions have not been confirmed by published functional studies and their clinical significance is uncertain. This variant has not been reported in the literature in individuals with POLE-related conditions. This variant is not present in population databases (ExAC no frequency). This sequence change replaces glutamic acid with aspartic acid at codon 1953 of the POLE protein (p.Glu1953Asp). The glutamic acid residue is moderately conserved and there is a small physicochemical difference between glutamic acid and aspartic acid.